The following is an entry in ClinVar:

ClinVar aggregate classification (germline): Uncertain significance. Review status: criteria provided, multiple submitters, no conflicts (2 of 4 stars). 3 submissions from 3 submitters: Uncertain significance (3). Last evaluated 2024-02-22.

Conditions:
FG syndrome (FGS). Identifiers: MedGen C0220769, MONDO:0002010.
Familial thoracic aortic aneurysm and aortic dissection (TAAD). Also called: Thoracic aortic aneurysms and dissections. Identifiers: Orphanet 91387, MedGen C4707243, MONDO:0019625.

Allele frequency attached by ClinVar (database versions not stated): gnomAD 0.00001; TOPMed 0.00001.

Submissions (3):

GeneDx
Classification: Uncertain significance. Last evaluated: 2024-02-22. Review status: criteria provided, single submitter. Criteria: GeneDx Variant Classification Process June 2021. Collection method: clinical testing. Allele origin: germline. Affected: yes.
Comment: Not observed at significant frequency in large population cohorts (gnomAD); In silico analysis supports that this missense variant does not alter protein structure/function; Has not been previously published as pathogenic or benign to our knowledge

Labcorp Genetics (formerly Invitae), Labcorp
Classification: Uncertain significance for FG syndrome. Last evaluated: 2023-11-03. Review status: criteria provided, single submitter. Criteria: Invitae Variant Classification Sherloc (09022015). Collection method: clinical testing. Allele origin: germline.
Comment: This sequence change replaces alanine, which is neutral and non-polar, with glycine, which is neutral and non-polar, at codon 788 of the MED12 protein (p.Ala788Gly). This variant is not present in population databases (gnomAD no frequency). This variant has not been reported in the literature in individuals affected with MED12-related conditions. ClinVar contains an entry for this variant (Variation ID: 1790184). Advanced modeling of protein sequence and biophysical properties (such as structural, functional, and spatial information, amino acid conservation, physicochemical variation, residue mobility, and thermodynamic stability) performed at Invitae indicates that this missense variant is not expected to disrupt MED12 protein function with a negative predictive value of 95%. In summary, the available evidence is currently insufficient to determine the role of this variant in disease. Therefore, it has been classified as a Variant of Uncertain Significance.

Ambry Genetics
Classification: Uncertain significance for Familial thoracic aortic aneurysm and aortic dissection. Last evaluated: 2022-08-24. Review status: criteria provided, single submitter. Criteria: Ambry Variant Classification Scheme 2023. Collection method: clinical testing. Allele origin: germline.
Comment: The p.A788G variant (also known as c.2363C>G), located in coding exon 16 of the MED12 gene, results from a C to G substitution at nucleotide position 2363. The alanine at codon 788 is replaced by glycine, an amino acid with similar properties. This amino acid position is conserved. In addition, this alteration is predicted to be tolerated by in silico analysis. Since supporting evidence is limited at this time, the clinical significance of this alteration remains unclear.

NM_005120.3(MED12):c.2363C>G (p.Ala788Gly)

Gene: MED12 (mediator complex subunit 12; plus strand). Cytogenetic location: Xq13.1.
Variant type: single nucleotide variant.
Coding change: c.2363C>G on transcript NM_005120.3 (MANE Select); coding-DNA position 2363, C replaced by G.
Protein change: p.Ala788Gly; replaces alanine 788 with glycine.
Molecular consequence: missense variant.
Genome position (GRCh38, 1-based): chrX:71,125,487, C>G. VCF-style: chrX-71125487-C-G. GRCh37 (hg19) VCF-style: chrX-70345337-C-G.
Other names: short protein forms A788G.
Identifiers: ClinVar variation 1790184 (VCV001790184.6), dbSNP rs950994901, ClinGen allele CA330979070.